The following is an entry in ClinVar:

NM_001903.5(CTNNA1):c.2156T>G (p.Met719Arg)

Gene: CTNNA1 (catenin alpha 1; plus strand). Cytogenetic location: 5q31.2.
Variant type: single nucleotide variant.
Coding change: c.2156T>G on transcript NM_001903.5 (MANE Select); coding-DNA position 2156, T replaced by G.
Protein change: p.Met719Arg; replaces methionine 719 with arginine.
Molecular consequence: missense variant.
Genome position (GRCh38, 1-based): chr5:138,930,618, T>G. VCF-style: chr5-138930618-T-G. GRCh37 (hg19) VCF-style: chr5-138266307-T-G.
Other names: c.2156T>G, p.Met719Arg (NM_001290307.3, NM_001323982.2, NM_001323983.1 and 2 more transcripts); c.1847T>G, p.Met616Arg (NM_001290309.3); c.1787T>G, p.Met596Arg (NM_001290310.3); c.1046T>G, p.Met349Arg (NM_001290312.1, NM_001323987.1, NM_001323988.1 and 17 more transcripts); c.2063T>G, p.Met688Arg (NM_001323986.2); c.803T>G, p.Met268Arg (NM_001324012.1, NM_001324013.1); c.707T>G, p.Met236Arg (NM_001324006.1, NM_001324007.1, NM_001324008.1 and 2 more transcripts); c.953T>G, p.Met318Arg (NM_001324011.1); short protein forms M236R, M268R, M616R, M719R, M688R, M318R, M349R, M596R.
Identifiers: ClinVar variation 3270106 (VCV003270106.1).

ClinVar aggregate classification (germline): Uncertain significance (1 of 4 stars; one submission).

Conditions:
Hereditary cancer-predisposing syndrome. Also called: Tumor predisposition; Hereditary Cancer Syndrome; Hereditary neoplastic syndrome; Neoplastic Syndromes, Hereditary. Identifiers: Orphanet 140162, MedGen C0027672, MeSH D009386, MONDO:0015356.

Submission:

Ambry Genetics
Classification: Uncertain significance for Hereditary cancer-predisposing syndrome. Last evaluated: 2024-06-09. Review status: criteria provided, single submitter. Criteria: Ambry Variant Classification Scheme 2023. Collection method: clinical testing. Allele origin: germline.
Comment: The p.M719R variant (also known as c.2156T>G), located in coding exon 14 of the CTNNA1 gene, results from a T to G substitution at nucleotide position 2156. The methionine at codon 719 is replaced by arginine, an amino acid with similar properties. This amino acid position is conserved. In addition, this alteration is predicted to be deleterious by in silico analysis. Based on the available evidence, the clinical significance of this variant remains unclear.